The following is an entry in ClinVar:

NM_006186.4(NR4A2):c.585C>T (p.Asp195=)

Gene: NR4A2 (nuclear receptor subfamily 4 group A member 2; minus strand). Cytogenetic location: 2q24.1.
Variant type: single nucleotide variant.
Coding change: c.585C>T on transcript NM_006186.4 (MANE Select); coding-DNA position 585, C replaced by T.
Protein change: p.Asp195=; no amino-acid change (aspartic acid 195 retained).
Molecular consequence: synonymous variant.
Genome position (GRCh38, 1-based): chr2:156,329,602, G>A on the plus strand (C>T on the coding strand, the complement: NR4A2 is on the minus strand). VCF-style: chr2-156329602-G-A. GRCh37 (hg19) VCF-style: chr2-157186114-G-A.
Other names: c.396C>T, p.Asp132= (NM_173173.3).
Identifiers: ClinVar variation 331663 (VCV000331663.5), dbSNP rs143064317, ClinGen allele CA1916426.

ClinVar aggregate classification (germline): Likely benign (1 of 4 stars; one submission).

Conditions:
Parkinson disease, late-onset (PD). Also called: PARKINSON DISEASE, LATE-ONSET, SUSCEPTIBILITY TO; Susceptibility to Parkinson's Disease; Hereditary late onset Parkinson disease. Identifiers: Orphanet 411602, MedGen C3160718, MONDO:0008199, OMIM 168600.

Allele frequency attached by ClinVar (database versions not stated): gnomAD exomes 0.00017; ExAC 0.00018; 1000 Genomes Project 0.00020; 1000 Genomes Project 30x 0.00062; ESP Exome Variant Server 0.00062; TOPMed 0.00074.
gnomAD v4.1: 205 of 1,609,390 alleles (0.013%); highest among the groups gnomAD compares: African/African-American, 0.24%; 1 homozygote.

Submission:

Illumina Laboratory Services, Illumina
Classification: Likely benign for Parkinson disease, late-onset. Last evaluated: 2018-01-13. Review status: criteria provided, single submitter. Criteria: ICSL Variant Classification Criteria 13 December 2019. Collection method: clinical testing. Allele origin: germline.
Comment: This variant was observed in the ICSL laboratory as part of a predisposition screen in an ostensibly healthy population. It had not been previously curated by ICSL or reported in the Human Gene Mutation Database (HGMD: prior to June 1st, 2018), and was therefore a candidate for classification through an automated scoring system. Utilizing variant allele frequency, disease prevalence and penetrance estimates, and inheritance mode, an automated score was calculated to assess if this variant is too frequent to cause the disease. Based on the score and internal cut-off values, a variant classified as likely benign is not then subjected to further curation. The score for this variant resulted in a classification of likely benign for this disease.